The following is an entry in ClinVar:

ClinVar aggregate classification (germline): Conflicting classifications of pathogenicity. Review status: criteria provided, conflicting classifications (1 of 4 stars). 2 submissions from 2 submitters: Pathogenic (1); Uncertain significance (1). Last evaluated 2022-11-29.

Conditions:
Retinitis pigmentosa (RP). Identifiers: Orphanet 791, MedGen C0035334, MeSH D012174, MONDO:0019200, OMIM 268000. Inheritance: Autosomal dominant, autosomal recessive and X linked inheritance.

Submissions (2):

Labcorp Genetics (formerly Invitae), Labcorp
Classification: Uncertain significance. Last evaluated: 2022-11-29. Review status: criteria provided, single submitter. Criteria: Invitae Variant Classification Sherloc (09022015). Collection method: clinical testing. Allele origin: germline.
Comment: In summary, the available evidence is currently insufficient to determine the role of this variant in disease. Therefore, it has been classified as a Variant of Uncertain Significance. Algorithms developed to predict the effect of sequence changes on RNA splicing suggest that this variant may create or strengthen a splice site. Advanced modeling of protein sequence and biophysical properties (such as structural, functional, and spatial information, amino acid conservation, physicochemical variation, residue mobility, and thermodynamic stability) performed at Invitae indicates that this missense variant is expected to disrupt SNRNP200 protein function. ClinVar contains an entry for this variant (Variation ID: 813240). This variant has not been reported in the literature in individuals affected with SNRNP200-related conditions. This variant is not present in population databases (gnomAD no frequency). This sequence change replaces leucine, which is neutral and non-polar, with phenylalanine, which is neutral and non-polar, at codon 488 of the SNRNP200 protein (p.Leu488Phe).

Molecular Genetics Laboratory, Institute for Ophthalmic Research
Classification: Pathogenic for Retinitis pigmentosa. Last evaluated: 2020-01-09. Review status: criteria provided, single submitter. Criteria: ACMG Guidelines, 2015. Collection method: research. Allele origin: germline. Affected: yes.

NM_014014.5(SNRNP200):c.1462C>T (p.Leu488Phe)

Gene: SNRNP200 (small nuclear ribonucleoprotein U5 subunit 200; minus strand). Cytogenetic location: 2q11.2.
Variant type: single nucleotide variant.
Coding change: c.1462C>T on transcript NM_014014.5 (MANE Select); coding-DNA position 1462, C replaced by T.
Protein change: p.Leu488Phe; replaces leucine 488 with phenylalanine.
Molecular consequence: missense variant.
Genome position (GRCh38, 1-based): chr2:96,296,986, G>A on the plus strand (C>T on the coding strand, the complement: SNRNP200 is on the minus strand). VCF-style: chr2-96296986-G-A. GRCh37 (hg19) VCF-style: chr2-96962724-G-A.
Other names: short protein forms L488F.
Identifiers: ClinVar variation 813240 (VCV000813240.5), dbSNP rs771467567, ClinGen allele CA347682671.
Genomic context (GRCh38, chr2:96,296,986, plus strand): 5'-CGCTTACAGTAGGAGCACACAGCAGCAGATTCTCATCCGTCTCAAGGGCAGCACGGTAGA[G>A]CTTACTCTGGATCCGATTCAGTGTTTTGAAGCCCTCAAACCCAGCCTGGGCATACTTTGG-3'
Protein context (NP_054733.2, residues 478-498): FKTLNRIQSK[Leu488Phe]YRAALETDEN